The following is an entry in ClinVar:

ClinVar aggregate classification (germline): Uncertain significance. Review status: criteria provided, multiple submitters, no conflicts (2 of 4 stars). 3 submissions from 3 submitters: Uncertain significance (3). Last evaluated 2022-07-27.

Allele frequency attached by ClinVar (database versions not stated): gnomAD exomes 0.00004 and 0.00006; ExAC 0.00008; gnomAD 0.00013; ESP Exome Variant Server 0.00015; TOPMed 0.00019; 1000 Genomes Project 30x 0.00031; 1000 Genomes Project 0.00040.
gnomAD v4.1: 76 of 1,613,746 alleles (0.0047%); highest among the groups gnomAD compares: African/African-American, 0.075%; no homozygotes.

Submissions (3):

Labcorp Genetics (formerly Invitae), Labcorp
Classification: Uncertain significance. Last evaluated: 2022-07-27. Review status: criteria provided, single submitter. Criteria: Invitae Variant Classification Sherloc (09022015). Collection method: clinical testing. Allele origin: germline.
Comment: This sequence change replaces arginine, which is basic and polar, with tryptophan, which is neutral and slightly polar, at codon 1000 of the NUP214 protein (p.Arg1000Trp). This variant is present in population databases (rs79941555, gnomAD 0.07%). This variant has not been reported in the literature in individuals affected with NUP214-related conditions. ClinVar contains an entry for this variant (Variation ID: 1018569). Algorithms developed to predict the effect of missense changes on protein structure and function (SIFT, PolyPhen-2, Align-GVGD) all suggest that this variant is likely to be disruptive. In summary, the available evidence is currently insufficient to determine the role of this variant in disease. Therefore, it has been classified as a Variant of Uncertain Significance.

Ambry Genetics
Classification: Uncertain significance. Last evaluated: 2021-08-02. Review status: criteria provided, single submitter. Criteria: Ambry Variant Classification Scheme 2023. Collection method: clinical testing. Allele origin: germline.

GeneDx
Classification: Uncertain significance. Last evaluated: 2020-09-29. Review status: criteria provided, single submitter. Criteria: GeneDx Variant Classification Process June 2021. Collection method: clinical testing. Allele origin: germline. Affected: yes.
Comment: In silico analysis, which includes protein predictors and evolutionary conservation, supports a deleterious effect; Has not been previously published as pathogenic or benign to our knowledge

NM_005085.4(NUP214):c.2998C>T (p.Arg1000Trp)

Gene: NUP214 (nucleoporin 214; plus strand). Cytogenetic location: 9q34.13.
Variant type: single nucleotide variant.
Coding change: c.2998C>T on transcript NM_005085.4 (MANE Select); coding-DNA position 2998, C replaced by T.
Protein change: p.Arg1000Trp; replaces arginine 1000 with tryptophan.
Molecular consequence: missense variant.
Genome position (GRCh38, 1-based): chr9:131,174,159, C>T. VCF-style: chr9-131174159-C-T. GRCh37 (hg19) VCF-style: chr9-134049546-C-T.
Other names: c.2968C>T, p.Arg990Trp (NM_001318324.2); c.2998C>T (NM_005085.2); short protein forms R1000W, R990W.
Identifiers: ClinVar variation 1018569 (VCV001018569.9), dbSNP rs79941555, ClinGen allele CA5289472.